The following is an entry in ClinVar:

ClinVar aggregate classification (germline): Uncertain significance. Review status: criteria provided, multiple submitters, no conflicts (2 of 4 stars). 2 submissions from 2 submitters: Uncertain significance (2). Last evaluated 2022-04-11.

Conditions:
Neuropathy, hereditary sensory and autonomic, type 2A (HSAN2A). Also called: WNK1-Related HSAN2 (HSAN2A); ACROOSTEOLYSIS, GIACCAI TYPE; ACROOSTEOLYSIS, NEUROGENIC; MORVAN DISEASE; NEUROPATHY, CONGENITAL SENSORY; NEUROPATHY, HEREDITARY SENSORY RADICULAR, AUTOSOMAL RECESSIVE. Identifiers: Orphanet 970, MedGen C2752089, MONDO:0024309, OMIM 201300.
Generalized epilepsy with febrile seizures plus, type 7 (GEFSP7). Also called: GEFS+, TYPE 7. Identifiers: Orphanet 36387, MedGen C2751778, MONDO:0013470, OMIM 613863.
Inborn genetic diseases. Identifiers: MedGen C0950123, MeSH D030342.

Allele frequency attached by ClinVar (database versions not stated): gnomAD exomes below 0.00001; gnomAD 0.00001; TOPMed 0.00001.
gnomAD v4.1: 5 of 1,613,344 alleles (0.00031%); highest among the groups gnomAD compares: Non-Finnish European, 0.00042%; no homozygotes.

Submissions (2):

Labcorp Genetics (formerly Invitae), Labcorp
Classification: Uncertain significance for Neuropathy, hereditary sensory and autonomic, type 2A; Generalized epilepsy with febrile seizures plus, type 7. Last evaluated: 2022-04-11. Review status: criteria provided, single submitter. Criteria: Invitae Variant Classification Sherloc (09022015). Collection method: clinical testing. Allele origin: germline.
Comment: This sequence change replaces leucine, which is neutral and non-polar, with methionine, which is neutral and non-polar, at codon 271 of the SCN9A protein (p.Leu271Met). This variant is not present in population databases (gnomAD no frequency). This variant has not been reported in the literature in individuals affected with SCN9A-related conditions. Algorithms developed to predict the effect of missense changes on protein structure and function are either unavailable or do not agree on the potential impact of this missense change (SIFT: "Deleterious"; PolyPhen-2: "Probably Damaging"; Align-GVGD: "Class C0"). In summary, the available evidence is currently insufficient to determine the role of this variant in disease. Therefore, it has been classified as a Variant of Uncertain Significance.

Ambry Genetics
Classification: Uncertain significance for Inborn genetic diseases. Last evaluated: 2022-02-21. Review status: criteria provided, single submitter. Criteria: Ambry Variant Classification Scheme 2023. Collection method: clinical testing. Allele origin: germline.
Comment: The p.L271M variant (also known as c.811C>A), located in coding exon 6 of the SCN9A gene, results from a C to A substitution at nucleotide position 811. The leucine at codon 271 is replaced by methionine, an amino acid with highly similar properties. This amino acid position is conserved. In addition, this alteration is predicted to be deleterious by in silico analysis. Since supporting evidence is limited at this time, the clinical significance of this alteration remains unclear.

NM_001365536.1(SCN9A):c.811C>A (p.Leu271Met)

Gene: SCN9A (sodium voltage-gated channel alpha subunit 9; minus strand). Cytogenetic location: 2q24.3.
Variant type: single nucleotide variant.
Coding change: c.811C>A on transcript NM_001365536.1 (MANE Select); coding-DNA position 811, C replaced by A.
Protein change: p.Leu271Met; replaces leucine 271 with methionine.
Molecular consequence: missense variant.
Genome position (GRCh38, 1-based): chr2:166,303,180, G>T on the plus strand (C>A on the coding strand, the complement: SCN9A is on the minus strand). VCF-style: chr2-166303180-G-T. GRCh37 (hg19) VCF-style: chr2-167159690-G-T.
Other names: c.811C>A, p.Leu271Met (NM_002977.4); short protein forms L271M.
Identifiers: ClinVar variation 1762071 (VCV001762071.7), dbSNP rs987624038, ClinGen allele CA59808654.